The following is an entry in ClinVar:

NM_012123.4(MTO1):c.1667T>C (p.Val556Ala)

Gene: MTO1 (mitochondrial tRNA translation optimization 1; plus strand). Cytogenetic location: 6q13.
Variant type: single nucleotide variant.
Coding change: c.1667T>C on transcript NM_012123.4 (MANE Select); coding-DNA position 1667, T replaced by C.
Protein change: p.Val556Ala; replaces valine 556 with alanine.
Molecular consequence: missense variant.
Genome position (GRCh38, 1-based): chr6:73,492,263, T>C. VCF-style: chr6-73492263-T-C. GRCh37 (hg19) VCF-style: chr6-74201986-T-C.
Other names: c.1787T>C, p.Val596Ala (NM_001123226.2); c.1742T>C, p.Val581Ala (NM_133645.3); c.1667T>C (NM_012123.3); short protein forms V581A, V596A, V556A.
Identifiers: ClinVar variation 1485953 (VCV001485953.8), dbSNP rs185347132, ClinGen allele CA3889729.

ClinVar aggregate classification (germline): Likely benign. Review status: criteria provided, single submitter (1 of 4 stars). 2 submissions from 2 submitters: Likely benign (1). 1 of the submissions does not count toward it. Last evaluated 2025-12-15.

Conditions:
MTO1-related disorder. Also called: MTO1-related condition.
Mitochondrial hypertrophic cardiomyopathy with lactic acidosis due to MTO1 deficiency. Also called: Combined oxidative phosphorylation deficiency 10; CARDIOMYOPATHY, INFANTILE HYPERTROPHIC MITOCHONDRIAL, AND LACTIC ACIDOSIS. Identifiers: Orphanet 314637, MedGen C4749921, MONDO:0013865, OMIM 614702.

Allele frequency attached by ClinVar (database versions not stated): gnomAD exomes 0.00005 and 0.00011; ExAC 0.00012; 1000 Genomes Project 30x 0.00031; 1000 Genomes Project 0.00040.
gnomAD v4.1: 82 of 1,613,722 alleles (0.0051%); highest among the groups gnomAD compares: East Asian, 0.15%; no homozygotes.

Submissions (2):

Labcorp Genetics (formerly Invitae), Labcorp
Classification: Likely benign for Mitochondrial hypertrophic cardiomyopathy with lactic acidosis due to MTO1 deficiency. Last evaluated: 2025-12-15. Review status: criteria provided, single submitter. Criteria: Invitae Variant Classification Sherloc (09022015). Collection method: clinical testing. Allele origin: germline.

PreventionGenetics, part of Exact Sciences
Classification: Likely benign for MTO1-related condition. Last evaluated: 2024-01-19. Review status: no assertion criteria provided. Collection method: clinical testing. Allele origin: germline. Not counted in ClinVar's aggregate classification.
Comment: This variant is classified as likely benign based on ACMG/AMP sequence variant interpretation guidelines (Richards et al. 2015 PMID: 25741868, with internal and published modifications).